The following is an entry in ClinVar:

NM_004304.5(ALK):c.3487G>A (p.Asp1163Asn)

Gene: ALK (ALK receptor tyrosine kinase; minus strand). Cytogenetic location: 2p23.2.
Variant type: single nucleotide variant.
Coding change: c.3487G>A on transcript NM_004304.5 (MANE Select); coding-DNA position 3487, G replaced by A.
Protein change: p.Asp1163Asn; replaces aspartic acid 1163 with asparagine.
Molecular consequence: missense variant.
Genome position (GRCh38, 1-based): chr2:29,222,372, C>T on the plus strand (G>A on the coding strand, the complement: ALK is on the minus strand). VCF-style: chr2-29222372-C-T. GRCh37 (hg19) VCF-style: chr2-29445238-C-T.
Other names: c.283G>A, p.Asp95Asn (NM_001353765.2); short protein forms D1163N, D95N.
Identifiers: ClinVar variation 1692784 (VCV001692784.1), dbSNP rs753670250, ClinGen allele CA1593922.

ClinVar aggregate classification (germline): Uncertain significance (1 of 4 stars; one submission).

Conditions:
Hereditary cancer-predisposing syndrome. Also called: Hereditary neoplastic syndrome; Tumor predisposition; Neoplastic Syndromes, Hereditary; Hereditary Cancer Syndrome. Identifiers: Orphanet 140162, MedGen C0027672, MeSH D009386, MONDO:0015356.

Allele frequency attached by ClinVar (database versions not stated): gnomAD exomes below 0.00001; ExAC 0.00001.
gnomAD v4.1: 1 of 1,614,056 alleles (0.000062%); no homozygotes.

Submission:

Sema4
Classification: Uncertain significance for Hereditary cancer-predisposing syndrome. Last evaluated: 2021-09-09. Review status: criteria provided, single submitter. Criteria: Sema4 Curation Guidelines. Collection method: curation. Allele origin: germline.
Comment: To the best of our knowledge, the ALK c.3487G>A (p.D1163N) variant has not been reported in individuals with ALK-related disease. It was observed in 1/251356 chromosomes in the large and broad cohorts of the Genome Aggregation Database (PMID: 32461654). This variant has not been reported in ClinVar. Functional studies demonstrated that the variant increases kinase activity does not impact caspase cleavage, does not abrogate ALK-mediated enhancement of apoptosis, and does not have an impact on oncogenic transformation (PMID: 16880530, 33674381). The evidence is insufficient to meet ACMG/AMP criteria for classifying the variant as benign or pathogenic. Thus, the clinical significance of this variant is currently uncertain.

Literature cited by the submitters: PubMed 16880530; PubMed 33674381.